The following is an entry in ClinVar:

ClinVar aggregate classification (germline): Uncertain significance (1 of 4 stars; one submission).

Submission:

Labcorp Genetics (formerly Invitae), Labcorp
Classification: Uncertain significance. Last evaluated: 2022-01-16. Review status: criteria provided, single submitter. Criteria: Invitae Variant Classification Sherloc (09022015). Collection method: clinical testing. Allele origin: germline.
Comment: In summary, the available evidence is currently insufficient to determine the role of this variant in disease. Therefore, it has been classified as a Variant of Uncertain Significance. Algorithms developed to predict the effect of missense changes on protein structure and function (SIFT, PolyPhen-2, Align-GVGD) all suggest that this variant is likely to be disruptive. This variant has not been reported in the literature in individuals affected with LZTR1-related conditions. This variant is not present in population databases (gnomAD no frequency). This sequence change replaces leucine, which is neutral and non-polar, with proline, which is neutral and non-polar, at codon 311 of the LZTR1 protein (p.Leu311Pro).

NM_006767.4(LZTR1):c.932T>C (p.Leu311Pro)

Gene: LZTR1 (leucine zipper like post translational regulator 1; plus strand). Cytogenetic location: 22q11.21.
Variant type: single nucleotide variant.
Coding change: c.932T>C on transcript NM_006767.4 (MANE Select); coding-DNA position 932, T replaced by C.
Protein change: p.Leu311Pro; replaces leucine 311 with proline.
Molecular consequence: missense variant.
Genome position (GRCh38, 1-based): chr22:20,991,768, T>C. VCF-style: chr22-20991768-T-C. GRCh37 (hg19) VCF-style: chr22-21346057-T-C.
Other names: short protein forms L311P.
Identifiers: ClinVar variation 2049747 (VCV002049747.4), dbSNP rs2147965017, ClinGen allele CA410781462.